The following is an entry in ClinVar:

ClinVar aggregate classification (germline): Uncertain significance (1 of 4 stars; one submission).

Conditions:
Hypertrophic cardiomyopathy 14. Identifiers: MedGen C2750467, MONDO:0013197, OMIM 613251.
Dilated cardiomyopathy 1EE (CMD1EE). Identifiers: Orphanet 154, MedGen C2750466, MONDO:0013198, OMIM 613252.
Atrial septal defect 3 (ASD3). Identifiers: Orphanet 1478, MedGen C3279790, MONDO:0013567, OMIM 614089.
Sick sinus syndrome 3, susceptibility to (SSS3). Identifiers: Orphanet 166282, MedGen C3279791, MONDO:0013568, OMIM 614090.

Submission:

Juno Genomics, Hangzhou Juno Genomics, Inc
Classification: Uncertain significance for Sick sinus syndrome 3, susceptibility to; Atrial septal defect 3; Dilated cardiomyopathy 1EE; Hypertrophic cardiomyopathy 14. Review status: criteria provided, single submitter. Criteria: ACMG Guidelines, 2015. Collection method: clinical testing. Allele origin: germline.
Comment: Missense variant in a gene that has a low rate of benign missense variation.;Multiple lines of computational evidence support a deleterious effect on the gene or gene product.;Absent from controls (or at extremely low frequency if recessive) in Genome Aggregation Database.

NM_002471.4(MYH6):c.5168C>T (p.Thr1723Ile)

Gene: MYH6 (myosin heavy chain 6; minus strand). Cytogenetic location: 14q11.2.
Variant type: single nucleotide variant.
Coding change: c.5168C>T on transcript NM_002471.4 (MANE Select); coding-DNA position 5168, C replaced by T.
Protein change: p.Thr1723Ile; replaces threonine 1723 with isoleucine.
Molecular consequence: missense variant.
Genome position (GRCh38, 1-based): chr14:23,385,037, G>A on the plus strand (C>T on the coding strand, the complement: MYH6 is on the minus strand). VCF-style: chr14-23385037-G-A. GRCh37 (hg19) VCF-style: chr14-23854246-G-A.
Other names: short protein forms T1723I.
Identifiers: ClinVar variation 5005305 (VCV005005305.2).